The following is an entry in ClinVar:

NM_000051.4(ATM):c.2544G>A (p.Glu848=)

Gene: ATM (ATM serine/threonine kinase; plus strand). Cytogenetic location: 11q22.3.
Variant type: single nucleotide variant.
Coding change: c.2544G>A on transcript NM_000051.4 (MANE Select); coding-DNA position 2544, G replaced by A.
Protein change: p.Glu848=; no amino-acid change (glutamic acid 848 retained).
Molecular consequence: synonymous variant.
Genome position (GRCh38, 1-based): chr11:108,267,248, G>A. VCF-style: chr11-108267248-G-A. GRCh37 (hg19) VCF-style: chr11-108137975-G-A.
Other names: c.2544G>A, p.Glu848= (NM_001351834.2).
Identifiers: ClinVar variation 744925 (VCV000744925.14), dbSNP rs1060501601, ClinGen allele CA476673605.

ClinVar aggregate classification (germline): Benign/Likely benign. Review status: criteria provided, multiple submitters, no conflicts (2 of 4 stars). 3 submissions from 3 submitters: Benign (1); Likely benign (2). Last evaluated 2025-08-12.

Conditions:
Ataxia-telangiectasia syndrome (AT). Also called: Ataxia-telangiectasia; AT, COMPLEMENTATION GROUP C; LOUIS-BAR SYNDROME; Ataxia telangiectasia (A-T); Cerebello-oculocutaneous telangiectasia; Immunodeficiency with ataxia telangiectasia. Identifiers: Orphanet 100, MedGen C0004135, MONDO:0008840, OMIM 208900.
Hereditary cancer-predisposing syndrome. Also called: Tumor predisposition; Hereditary Cancer Syndrome; Neoplastic Syndromes, Hereditary; Hereditary neoplastic syndrome. Identifiers: Orphanet 140162, MedGen C0027672, MeSH D009386, MONDO:0015356.
Familial cancer of breast. Also called: BREAST CANCER, FAMILIAL; hereditary breast carcinoma; Hereditary breast cancer. Identifiers: Orphanet 227535, MedGen C0346153, MONDO:0016419, OMIM 114480. Disease mechanism: loss of function.

Submissions (3):

Labcorp Genetics (formerly Invitae), Labcorp
Classification: Likely benign for Ataxia-telangiectasia syndrome. Last evaluated: 2025-08-12. Review status: criteria provided, single submitter. Criteria: Invitae Variant Classification Sherloc (09022015). Collection method: clinical testing. Allele origin: germline.

Myriad Genetics, Inc.
Classification: Benign for Familial cancer of breast. Last evaluated: 2024-05-09. Review status: criteria provided, single submitter. Criteria: Myriad Autosomal Dominant, Autosomal Recessive and X-Linked Classification Criteria (2023). Collection method: clinical testing. Allele origin: unknown.
Comment: This variant is considered benign. This variant is a silent/synonymous amino acid change and it is not expected to impact splicing.

Ambry Genetics
Classification: Likely benign for Hereditary cancer-predisposing syndrome. Last evaluated: 2017-10-19. Review status: criteria provided, single submitter. Criteria: Ambry Variant Classification Scheme 2023. Collection method: clinical testing. Allele origin: germline.